The following is an entry in ClinVar:

ClinVar aggregate classification (germline): Uncertain significance (1 of 4 stars; one submission).

Conditions:
Tolchin-Le Caignec syndrome. Also called: INTELLECTUAL DEVELOPMENTAL DISORDER WITH BEHAVIORAL ABNORMALITIES AND VARIABLE BONE DEFECTS. Identifiers: MedGen C5436509, MONDO:0033544, OMIM 618971.

Allele frequency attached by ClinVar (database versions not stated): gnomAD exomes below 0.00001.
gnomAD v4.1: 1 of 1,613,492 alleles (0.000062%); highest among the groups gnomAD compares: Non-Finnish European, 0.000085%; no homozygotes.

Submission:

Illumina Laboratory Services, Illumina
Classification: Uncertain significance for Tolchin-Le Caignec syndrome. Last evaluated: 2020-10-23. Review status: criteria provided, single submitter. Criteria: ICSLVariantClassificationCriteria RUGD 01 April 2020. Collection method: clinical testing. Allele origin: unknown.
Comment: The SOX6 c.1252G>A p.(Asp418Asn) variant is a missense variant. To our knowledge, this variant has not been reported in the peer-reviewed literature. This variant is not observed in version 2.1.1 of the Genome Aggregation Database. Based on the limited evidence, the c.1252G>A p.(Asp418Asn) variant is classified as a variant of uncertain significance for Tolchin-Le-Caignec syndrome.

NM_001367873.1(SOX6):c.1252G>A (p.Asp418Asn)

Gene: SOX6 (SRY-box transcription factor 6; minus strand). Cytogenetic location: 11p15.2.
Variant type: single nucleotide variant.
Coding change: c.1252G>A on transcript NM_001367873.1 (MANE Select); coding-DNA position 1252, G replaced by A.
Protein change: p.Asp418Asn; replaces aspartic acid 418 with asparagine.
Molecular consequence: missense variant.
Genome position (GRCh38, 1-based): chr11:16,049,938, C>T on the plus strand (G>A on the coding strand, the complement: SOX6 is on the minus strand). VCF-style: chr11-16049938-C-T. GRCh37 (hg19) VCF-style: chr11-16071484-C-T.
Other names: c.1129G>A, p.Asp377Asn (NM_001145811.2, NM_001367872.1, NM_017508.3); c.1252G>A, p.Asp418Asn (NM_001145819.2, NM_033326.3); short protein forms D377N, D418N.
Identifiers: ClinVar variation 3062085 (VCV003062085.1), dbSNP rs2494139442, ClinGen allele CA379876935.
Genomic context (GRCh38, chr11:16,049,938, plus strand): 5'-TTACAGGCTCTGCTGTCTTGGGTCGGGATGAGAGATTCAGAGGCTGTGCTGCTGCTTCAT[C>T]CTACAAGAGTTTAACGTAAATAATTATTTTTACAAAAGACAAATGAAGCACATTATCACT-3'
Protein context (NP_001354802.1, residues 408-428): RGTSPVTQVK[Asp418Asn]EAAAQPLNLS